The following is an entry in ClinVar:

ClinVar aggregate classification (germline): Pathogenic (1 of 4 stars; one submission).

Conditions:
Charcot-Marie-Tooth disease type 4. Also called: Charcot-Marie-Tooth, Type 4; Charcot-Marie-Tooth disease, type IV. Identifiers: Orphanet 64749, MedGen C4082197, MONDO:0018995.

Submission:

Labcorp Genetics (formerly Invitae), Labcorp
Classification: Pathogenic for Charcot-Marie-Tooth disease type 4. Last evaluated: 2022-09-27. Review status: criteria provided, single submitter. Criteria: Invitae Variant Classification Sherloc (09022015). Collection method: clinical testing. Allele origin: unknown.
Comment: For these reasons, this variant has been classified as Pathogenic. ClinVar contains an entry for this variant (Variation ID: 649478). This variant has been observed in individual(s) with Charcot-Marie-Tooth disease (Invitae). In at least one individual the data is consistent with being in trans (on the opposite chromosome) from a pathogenic variant. This variant results in the deletion of exon 18 and part of exon 19 (c.1929+15398_2137del) of the SBF2 gene. It is expected to disrupt RNA splicing. Variants that disrupt the donor or acceptor splice site typically lead to a loss of protein function (PMID: 16199547), and loss-of-function variants in SBF2 are known to be pathogenic (PMID: 12687498, 25873783).

Literature cited by the submitters: PubMed 16199547; PubMed 12687498; PubMed 25873783.

NC_000011.9:g.(?_9878231)_(9902092_?)del

Gene: SBF2 (SET binding factor 2; minus strand). Cytogenetic location: 11p15.4.
Variant type: Deletion.
Identifiers: ClinVar variation 3244700 (VCV003244700.1).